The following is an entry in ClinVar:

NM_001164508.2(NEB):c.1545A>C (p.Gln515His)

Gene: NEB (nebulin; minus strand). Cytogenetic location: 2q23.3.
Variant type: single nucleotide variant.
Coding change: c.1545A>C on transcript NM_001164508.2 (MANE Select); coding-DNA position 1545, A replaced by C.
Protein change: p.Gln515His; replaces glutamine 515 with histidine.
Molecular consequence: missense variant.
Genome position (GRCh38, 1-based): chr2:151,696,661, T>G on the plus strand (A>C on the coding strand, the complement: NEB is on the minus strand). VCF-style: chr2-151696661-T-G. GRCh37 (hg19) VCF-style: chr2-152553175-T-G.
Other names: c.1545A>C (NM_004543.4); c.1545A>C, p.Gln515His (NM_001164507.2, NM_001271208.2, NM_004543.5); short protein forms Q515H.
Identifiers: ClinVar variation 2145754 (VCV002145754.2), dbSNP rs748684538, ClinGen allele CA1911544.

ClinVar aggregate classification (germline): Uncertain significance. Review status: criteria provided, multiple submitters, no conflicts (2 of 4 stars). 2 submissions from 2 submitters: Uncertain significance (2). Last evaluated 2025-12-15.

Conditions:
Inborn genetic diseases. Identifiers: MedGen C0950123, MeSH D030342.
Nemaline myopathy 2 (NEM2). Also called: Nemaline myopathy 2, autosomal recessive. Identifiers: MedGen C1850569, MONDO:0009725, OMIM 256030.

Allele frequency attached by ClinVar (database versions not stated): TOPMed below 0.00001; ExAC 0.00001; gnomAD exomes 0.00001.
gnomAD v4.1: 10 of 1,613,788 alleles (0.00062%); highest among the groups gnomAD compares: Admixed American, 0.0033%; no homozygotes.

Submissions (2):

Ambry Genetics
Classification: Uncertain significance for Inborn genetic diseases. Last evaluated: 2025-12-15. Review status: criteria provided, single submitter. Criteria: Ambry Variant Classification Scheme 2023. Collection method: clinical testing. Allele origin: germline.

Labcorp Genetics (formerly Invitae), Labcorp
Classification: Uncertain significance for Nemaline myopathy 2. Last evaluated: 2021-09-01. Review status: criteria provided, single submitter. Criteria: Invitae Variant Classification Sherloc (09022015). Collection method: clinical testing. Allele origin: germline.
Comment: This sequence change replaces glutamine with histidine at codon 515 of the NEB protein (p.Gln515His). The glutamine residue is moderately conserved and there is a small physicochemical difference between glutamine and histidine. This variant is present in population databases (rs748684538, ExAC 0.002%). This variant has not been reported in the literature in individuals affected with NEB-related conditions. Algorithms developed to predict the effect of missense changes on protein structure and function are either unavailable or do not agree on the potential impact of this missense change (SIFT: "Deleterious"; PolyPhen-2: "Not Available"; Align-GVGD: "Class C0"). In summary, the available evidence is currently insufficient to determine the role of this variant in disease. Therefore, it has been classified as a Variant of Uncertain Significance.